The following is an entry in ClinVar:

NM_001080.3(ALDH5A1):c.1173+21G>A

Gene: ALDH5A1 (aldehyde dehydrogenase 5 family member A1; plus strand). Cytogenetic location: 6p22.3.
Variant type: single nucleotide variant.
Coding change: c.1173+21G>A on transcript NM_001080.3 (MANE Select); 21 bases into the intron after coding-DNA position 1173, G replaced by A.
Molecular consequence: intron variant.
Genome position (GRCh38, 1-based): chr6:24,522,946, G>A. VCF-style: chr6-24522946-G-A. GRCh37 (hg19) VCF-style: chr6-24523174-G-A.
Other names: p.?; c.1212+21G>A (NM_170740.1); c.1029+21G>A (NM_001368954.1).
Identifiers: ClinVar variation 1178195 (VCV001178195.5), dbSNP rs67603730, ClinGen allele CA3656865.
Genomic context (GRCh38, chr6:24,522,946, plus strand): 5'-TACTCAGGGCCCATTAATTAATGAAAAAGCGGTAGAAAAGGTAAGTATATTGTATTATTT[G>A]TGAAAGTAAATTTCATGGTTTCAATATGAAAAGCTTAATCAGCAAAAAACACTTTGGCTG-3'

ClinVar aggregate classification (germline): Benign. Review status: criteria provided, multiple submitters, no conflicts (2 of 4 stars). 3 submissions from 3 submitters: Benign (3). Last evaluated 2024-07-31.

Allele frequency attached by ClinVar (database versions not stated): gnomAD exomes 0.16040 and 0.17416; ExAC 0.16162; 1000 Genomes Project 0.16833; 1000 Genomes Project 30x 0.17036; gnomAD 0.17129 and 0.17142; TOPMed 0.16391; ESP Exome Variant Server 0.16408.
gnomAD v4.1: 263,333 of 1,510,264 alleles (17%); highest among the groups gnomAD compares: Middle Eastern, 27%; 22,420 homozygotes.

Submissions (3):

Unidad de Genómica Garrahan, Hospital de Pediatría Garrahan
Classification: Benign. Last evaluated: 2024-07-31. Review status: criteria provided, single submitter. Criteria: ACMG Guidelines, 2015. Collection method: clinical testing. Allele origin: germline. Affected: no. Observed: 19 variant alleles.
Comment: This variant is classified as Benign based on local population frequency. This variant was detected in 20% of patients studied in a panel designed for Epileptic and Developmental Encephalopathy, Progressive Myoclonus Epilepsy and Abnormal Movements and Neurodegeneration with brain iron accumulation. Number of patients: 19. Only high quality variants are reported.

Mayo Clinic Laboratories, Mayo Clinic
Classification: Benign. Last evaluated: 2022-04-26. Review status: criteria provided, single submitter. Criteria: ACMG Guidelines, 2015. Collection method: clinical testing. Allele origin: germline. Observed: 22 variant alleles.

GeneDx
Classification: Benign. Last evaluated: 2018-07-15. Review status: criteria provided, single submitter. Criteria: GeneDx Variant Classification Process June 2021. Collection method: clinical testing. Allele origin: germline. Affected: yes.